The following is an entry in ClinVar:

ClinVar aggregate classification (germline): Likely pathogenic (1 of 4 stars; one submission).

Conditions:
Developmental and epileptic encephalopathy. Identifiers: MedGen C5779964, MONDO:0100620.

Submission:

Unidad de Genómica Garrahan, Hospital de Pediatría Garrahan
Classification: Likely pathogenic for Developmental and epileptic encephalopathy. Last evaluated: 2022-01-01. Review status: criteria provided, single submitter. Criteria: ACMG Guidelines, 2015. Collection method: clinical testing. Allele origin: de novo. Affected: yes. Observed: 1 variant allele.
Comment: ACMG/AMP criteria applied: PM2, PM6, PP2, PP3.

NM_000702.4(ATP1A2):c.997G>C (p.Gly333Arg)

Gene: ATP1A2 (ATPase Na+/K+ transporting subunit alpha 2; plus strand). Cytogenetic location: 1q23.2.
Variant type: single nucleotide variant.
Coding change: c.997G>C on transcript NM_000702.4 (MANE Select); coding-DNA position 997, G replaced by C.
Protein change: p.Gly333Arg; replaces glycine 333 with arginine.
Molecular consequence: missense variant.
Genome position (GRCh38, 1-based): chr1:160,127,800, G>C. VCF-style: chr1-160127800-G-C. GRCh37 (hg19) VCF-style: chr1-160097590-G-C.
Other names: NP_000693.1:p.(Gly333Arg); short protein forms G333R.
Identifiers: ClinVar variation 4851539 (VCV004851539.1).
Genomic context (GRCh38, chr1:160,127,800, plus strand): 5'-TACAGCTGGCTGGAGGCAGTCATCTTCCTCATCGGCATCATAGTGGCCAACGTGCCTGAG[G>C]GGCTTCTGGCCACTGTCACTGTGAGTGGGTCAGGCTGAGGTGCCACCAGGGGAGGGTCTC-3'
Protein context (NP_000693.1, residues 323-343): IGIIVANVPE[Gly333Arg]LLATVTVCLT